The following is an entry in ClinVar:

ClinVar aggregate classification (germline): Uncertain significance (1 of 4 stars; one submission).

Submission:

Labcorp Genetics (formerly Invitae), Labcorp
Classification: Uncertain significance. Last evaluated: 2025-11-12. Review status: criteria provided, single submitter. Criteria: Invitae Variant Classification Sherloc (09022015). Collection method: clinical testing. Allele origin: germline.
Comment: This sequence change falls in intron 28 of the COL9A2 gene. It does not directly change the encoded amino acid sequence of the COL9A2 protein. This variant is not present in population databases (gnomAD no frequency). This variant has not been reported in the literature in individuals affected with COL9A2-related conditions. Algorithms developed to predict the effect of sequence changes on RNA splicing suggest that this variant may disrupt the consensus splice site. In summary, the available evidence is currently insufficient to determine the role of this variant in disease. Therefore, it has been classified as a Variant of Uncertain Significance.

NM_001852.4(COL9A2):c.1549-5T>A

Gene: COL9A2 (collagen type IX alpha 2 chain; minus strand). Cytogenetic location: 1p34.2.
Variant type: single nucleotide variant.
Coding change: c.1549-5T>A on transcript NM_001852.4 (MANE Select); 5 bases into the intron before coding-DNA position 1549, T replaced by A.
Molecular consequence: intron variant.
Genome position (GRCh38, 1-based): chr1:40,303,190, A>T on the plus strand (T>A on the coding strand, the complement: COL9A2 is on the minus strand). VCF-style: chr1-40303190-A-T. GRCh37 (hg19) VCF-style: chr1-40768862-A-T.
Identifiers: ClinVar variation 4731122 (VCV004731122.1).